The following is an entry in ClinVar:

ClinVar aggregate classification (germline): Uncertain significance (1 of 4 stars; one submission).

Allele frequency attached by ClinVar (database versions not stated): gnomAD exomes below 0.00001 and 0.00001; ExAC 0.00001.
gnomAD v4.1: 2 of 1,613,720 alleles (0.00012%); highest among the groups gnomAD compares: Admixed American, 0.0033%; no homozygotes.

Submission:

Labcorp Genetics (formerly Invitae), Labcorp
Classification: Uncertain significance. Last evaluated: 2022-06-20. Review status: criteria provided, single submitter. Criteria: Invitae Variant Classification Sherloc (09022015). Collection method: clinical testing. Allele origin: germline.
Comment: In summary, the available evidence is currently insufficient to determine the role of this variant in disease. Therefore, it has been classified as a Variant of Uncertain Significance. Advanced modeling of protein sequence and biophysical properties (such as structural, functional, and spatial information, amino acid conservation, physicochemical variation, residue mobility, and thermodynamic stability) performed at Invitae indicates that this missense variant is not expected to disrupt CYP4V2 protein function. This variant has not been reported in the literature in individuals affected with CYP4V2-related conditions. This variant is present in population databases (rs760949006, gnomAD 0.006%). This sequence change replaces valine, which is neutral and non-polar, with alanine, which is neutral and non-polar, at codon 174 of the CYP4V2 protein (p.Val174Ala).

NM_207352.4(CYP4V2):c.521T>C (p.Val174Ala)

Gene: CYP4V2 (cytochrome P450 family 4 subfamily V member 2; plus strand). Cytogenetic location: 4q35.1.
Variant type: single nucleotide variant.
Coding change: c.521T>C on transcript NM_207352.4 (MANE Select); coding-DNA position 521, T replaced by C.
Protein change: p.Val174Ala; replaces valine 174 with alanine.
Molecular consequence: missense variant.
Genome position (GRCh38, 1-based): chr4:186,197,047, T>C. VCF-style: chr4-186197047-T-C. GRCh37 (hg19) VCF-style: chr4-187118201-T-C.
Other names: short protein forms V174A.
Identifiers: ClinVar variation 1499314 (VCV001499314.4), dbSNP rs760949006, ClinGen allele CA3162576.